The following is an entry in ClinVar:

ClinVar aggregate classification (germline): Pathogenic (1 of 4 stars; one submission).

Allele frequency attached by ClinVar (database versions not stated): gnomAD exomes below 0.00001.
gnomAD v4.1: 1 of 1,614,062 alleles (0.000062%); highest among the groups gnomAD compares: Admixed American, 0.0017%; no homozygotes.

Submission:

Labcorp Genetics (formerly Invitae), Labcorp
Classification: Pathogenic. Last evaluated: 2023-03-04. Review status: criteria provided, single submitter. Criteria: Invitae Variant Classification Sherloc (09022015). Collection method: clinical testing. Allele origin: germline.
Comment: This sequence change creates a premature translational stop signal (p.Glu617*) in the RINT1 gene. It is expected to result in an absent or disrupted protein product. Loss-of-function variants in RINT1 are known to be pathogenic (PMID: 31204009). This variant is present in population databases (no rsID available, gnomAD 0.003%). This variant has not been reported in the literature in individuals affected with RINT1-related conditions. ClinVar contains an entry for this variant (Variation ID: 642915). For these reasons, this variant has been classified as Pathogenic.

Literature cited by the submitters: PubMed 31204009.

NM_021930.6(RINT1):c.1849G>T (p.Glu617Ter)

Gene: RINT1 (RAD50 interactor 1; plus strand). Cytogenetic location: 7q22.3.
Variant type: single nucleotide variant.
Coding change: c.1849G>T on transcript NM_021930.6 (MANE Select); coding-DNA position 1849, G replaced by T.
Protein change: p.Glu617Ter; replaces glutamic acid 617 with a stop codon.
Molecular consequence: nonsense. On other transcripts: non-coding transcript variant (1).
Genome position (GRCh38, 1-based): chr7:105,563,910, G>T. VCF-style: chr7-105563910-G-T. GRCh37 (hg19) VCF-style: chr7-105204357-G-T.
Other names: c.1615G>T, p.Glu539Ter (NM_001346599.2); c.826G>T, p.Glu276Ter (NM_001346600.2, NM_001346603.2); c.925G>T, p.Glu309Ter (NM_001346601.2); short protein forms E617*, E539*, E309*, E276*.
Identifiers: ClinVar variation 642915 (VCV000642915.6), dbSNP rs1421126665, ClinGen allele CA368814185.
Genomic context (GRCh38, chr7:105,563,910, plus strand): 5'-AACCTCTTAGAACGTTTAAAGCATGATATGTTGACCCGTCAAGTAGACCACGTTTTTAGA[G>T]AAGTTAAAGATGCTGCAAAATTGTATAAAAAAGAAAGGTATGTCCTCTATGTAAGTCAGC-3'